The following is an entry in ClinVar:

NM_030943.4(AMN):c.411C>A (p.Cys137Ter)

Gene: AMN (amnion associated transmembrane protein; plus strand). Cytogenetic location: 14q32.32.
Variant type: single nucleotide variant.
Coding change: c.411C>A on transcript NM_030943.4 (MANE Select); coding-DNA position 411, C replaced by A.
Protein change: p.Cys137Ter; replaces cysteine 137 with a stop codon.
Molecular consequence: nonsense.
Genome position (GRCh38, 1-based): chr14:102,928,873, C>A. VCF-style: chr14-102928873-C-A. GRCh37 (hg19) VCF-style: chr14-103395210-C-A.
Other names: c.249C>A, p.Cys83Ter (NM_001425246.1); short protein forms C137*, C83*.
Identifiers: ClinVar variation 2908530 (VCV002908530.3), dbSNP rs2542695569, ClinGen allele CA391080591.

ClinVar aggregate classification (germline): Pathogenic (1 of 4 stars; one submission).

Conditions:
Imerslund-Grasbeck syndrome. Also called: Imerslund-Gräsbeck syndrome; Megaloblastic anemia due to inborn errors of metabolism; PERNICIOUS ANEMIA, JUVENILE, DUE TO SELECTIVE INTESTINAL MALABSORPTION OF VITAMIN B12, WITH PROTEINURIA; ENTEROCYTE COBALAMIN MALABSORPTION; ENTEROCYTE INTRINSIC FACTOR RECEPTOR, DEFECT OF. Identifiers: Orphanet 35858, MedGen C4551825, MONDO:0009853.

Submission:

Labcorp Genetics (formerly Invitae), Labcorp
Classification: Pathogenic for Imerslund-Grasbeck syndrome. Last evaluated: 2023-07-30. Review status: criteria provided, single submitter. Criteria: Invitae Variant Classification Sherloc (09022015). Collection method: clinical testing. Allele origin: germline.
Comment: For these reasons, this variant has been classified as Pathogenic. This variant has not been reported in the literature in individuals affected with AMN-related conditions. This variant is not present in population databases (gnomAD no frequency). This sequence change creates a premature translational stop signal (p.Cys137*) in the AMN gene. It is expected to result in an absent or disrupted protein product. Loss-of-function variants in AMN are known to be pathogenic (PMID: 12590260, 22929189).

Literature cited by the submitters: PubMed 12590260; PubMed 22929189.